The following is an entry in ClinVar:

ClinVar aggregate classification (germline): Likely pathogenic. Review status: criteria provided, multiple submitters, no conflicts (2 of 4 stars). 2 submissions from 2 submitters: Likely pathogenic (2). Last evaluated 2026-03-02.

Conditions:
GLI2-related disorder. Also called: GLI2-related disorders; GLI2-related condition.

gnomAD v4.1: 39 of 1,613,548 alleles (0.0024%); highest among the groups gnomAD compares: Non-Finnish European, 0.0031%; no homozygotes.

Submissions (2):

GeneDx
Classification: Likely pathogenic. Last evaluated: 2026-03-02. Review status: criteria provided, single submitter. Criteria: GeneDx Variant Classification Process June 2021. Collection method: clinical testing. Allele origin: germline.
Comment: Canonical splice site variant predicted to result in an in-frame loss of the adjacent exon in a gene for which loss of function is a known mechanism of disease; Not observed at significant frequency in large population cohorts (gnomAD); Has not been previously published as pathogenic or benign to our knowledge

Women's Health and Genetics/Laboratory Corporation of America, LabCorp
Classification: Likely pathogenic for GLI2-Related Disorders. Last evaluated: 2025-06-26. Review status: criteria provided, single submitter. Criteria: LabCorp Variant Classification Summary - May 2015. Collection method: clinical testing. Allele origin: germline.
Comment: Variant summary: GLI2 c.1060-2A>C is located in a canonical splice-site and is predicted to affect mRNA splicing resulting in a significantly altered protein due to either exon skipping, shortening, or inclusion of intronic material. Variants that disrupt the consensus splice site are a relatively common cause of aberrant splicing and loss of GLI2 function. Several computational tools predict a significant impact on normal splicing: Four predict the variant abolishes the canonical 3' acceptor site. Two predict the variant creates a cryptic 3' acceptor site. However, these predictions have yet to be confirmed by functional studies. The variant allele was found at a frequency of 4e-06 in 251356 control chromosomes. To our knowledge, no occurrence of c.1060-2A>C in individuals affected with GLI2-Related Disorders and no experimental evidence demonstrating its impact on protein function have been reported. No submitters have cited clinical-significance assessments for this variant to ClinVar. Based on the evidence outlined above, the variant was classified as likely pathogenic.

NM_001374353.1(GLI2):c.1060-2A>C

Gene: GLI2 (GLI family zinc finger 2; plus strand). Cytogenetic location: 2q14.2.
Variant type: single nucleotide variant.
Coding change: c.1060-2A>C on transcript NM_001374353.1 (MANE Select); the canonical splice acceptor site of the intron before coding-DNA position 1060, A replaced by C.
Molecular consequence: splice acceptor variant.
Genome position (GRCh38, 1-based): chr2:120,971,939, A>C. VCF-style: chr2-120971939-A-C. GRCh37 (hg19) VCF-style: chr2-121729515-A-C.
Other names: c.1060-2A>C (NM_001371271.1, NM_005270.5); c.685-2A>C (NM_001374354.1).
Identifiers: ClinVar variation 3907514 (VCV003907514.2).
Genomic context (GRCh38, chr2:120,971,939, plus strand): 5'-AAAATTTGGGATATCCCTGCCCTGCCCCTGAGTAACAGACTGTCCTCTGCACCCTTCCTC[A>C]GAACAAGCAGAGCAGTGAGTCGGCCGTCAGCAGCACCGTCAACCCTGTCGCCATTCACAA-3'